The following is an entry in ClinVar:

NM_000169.3(GLA):c.1046G>C (p.Trp349Ser)

Genes: GLA (galactosidase alpha; minus strand), RPL36A-HNRNPH2 (RPL36A-HNRNPH2 readthrough; plus strand). Cytogenetic location: Xq22.1.
Variant type: single nucleotide variant.
Coding change: c.1046G>C on transcript NM_000169.3 (MANE Select); coding-DNA position 1046, G replaced by C.
Protein change: p.Trp349Ser; replaces tryptophan 349 with serine.
Molecular consequence: missense variant. On other transcripts: non-coding transcript variant (3), intron variant (2).
Genome position (GRCh38, 1-based): chrX:101,398,053, C>G on the plus strand (G>C on the coding strand, the complement: GLA is on the minus strand). VCF-style: chrX-101398053-C-G. GRCh37 (hg19) VCF-style: chrX-100653041-C-G.
Other names: c.1169G>C, p.Trp390Ser (NM_001406747.1); c.300+2596C>G (NM_001199973.2); c.177+6231C>G (NM_001199974.2); short protein forms W349S, W390S.
Identifiers: ClinVar variation 222130 (VCV000222130.20), dbSNP rs869312218, ClinGen allele CA352576.

ClinVar aggregate classification (germline): Uncertain significance. Review status: criteria provided, multiple submitters, no conflicts (2 of 4 stars). 5 submissions from 5 submitters: Uncertain significance (5). Last evaluated 2026-09-08.

Conditions:
Fabry disease. Also called: GLA DEFICIENCY; HEREDITARY DYSTOPIC LIPIDOSIS; Fabry's disease; Angiokeratoma corporis diffusum; Ceramide trihexosidosis; ALPHA-GALACTOSIDASE A DEFICIENCY. Identifiers: Orphanet 324, MedGen C0002986, MONDO:0010526, OMIM 301500, HP:0001071. Disease mechanism: loss of function, Fabry disease is due to inactivating mutations in the X-linked GLA gene resulting in deficiency of the enzyme Alpha Galactosidase-A..
Cardiovascular phenotype. Identifiers: MedGen CN230736.

Submissions (5):

Genomenon, Inc
Classification: Uncertain significance for Fabry disease. Last evaluated: 2026-09-08. Review status: criteria provided, single submitter. Criteria: Genomenon Sequence Variant Interpretation Standards - Updated. Collection method: curation. Allele origin: germline. Affected: yes.
Comment: GLA p.Trp349Ser (c.1046G>C) is a missense variant that changes the amino acid at codon 349 from Tryptophan to Serine. This variant has been observed in at least one proband with clinical features consistent with Fabry disease (PMID:29688998). Functional or patient cell studies have been reported (PMID:27657681;29688998). The presence of pathogenic/likely pathogenic missense variant(s) at the same amino acid position indicates that this residue is likely important for protein function. It is absent or not present at a significant frequency in gnomAD. In conclusion, we classify GLA p.Trp349Ser (c.1046G>C) as a variant of uncertain significance.

Labcorp Genetics (formerly Invitae), Labcorp
Classification: Uncertain significance for Fabry disease. Last evaluated: 2025-01-21. Review status: criteria provided, single submitter. Criteria: Invitae Variant Classification Sherloc (09022015). Collection method: clinical testing. Allele origin: germline.
Comment: This sequence change replaces tryptophan, which is neutral and slightly polar, with serine, which is neutral and polar, at codon 349 of the GLA protein (p.Trp349Ser). This variant is not present in population databases (gnomAD no frequency). This missense change has been observed in individual(s) with Fabry disease (internal data). ClinVar contains an entry for this variant (Variation ID: 222130). Invitae Evidence Modeling of protein sequence and biophysical properties (such as structural, functional, and spatial information, amino acid conservation, physicochemical variation, residue mobility, and thermodynamic stability) indicates that this missense variant is not expected to disrupt GLA protein function with a negative predictive value of 80%. This variant disrupts the p.Trp349 amino acid residue in GLA. Other variant(s) that disrupt this residue have been determined to be pathogenic (PMID: 20367968, 23935525, 25382311, 25974833). This suggests that this residue is clinically significant, and that variants that disrupt this residue are likely to be disease-causing. In summary, the available evidence is currently insufficient to determine the role of this variant in disease. Therefore, it has been classified as a Variant of Uncertain Significance.

Ambry Genetics
Classification: Uncertain significance for Cardiovascular phenotype. Last evaluated: 2023-01-09. Review status: criteria provided, single submitter. Criteria: Ambry Variant Classification Scheme 2023. Collection method: clinical testing. Allele origin: germline.
Comment: The p.W349S variant (also known as c.1046G>C), located in coding exon 7 of the GLA gene, results from a G to C substitution at nucleotide position 1046. The tryptophan at codon 349 is replaced by serine, an amino acid with highly dissimilar properties. This alteration has been reported in subjects with features of Fabry disease (Benjamin ER et al. Genet Med, 2017 Apr;19:430-438; Likhitsup A et al. Transplantation, 2018 Aug;102:e361). This amino acid position is not well conserved in available vertebrate species. In addition, the in silico prediction for this alteration is inconclusive. Since supporting evidence is limited at this time, the clinical significance of this alteration remains unclear.

Genome-Nilou Lab
Classification: Uncertain significance for Fabry disease. Last evaluated: 2021-07-15. Review status: criteria provided, single submitter. Criteria: ACMG Guidelines, 2015. Collection method: clinical testing. Allele origin: germline. Affected: no.

Eurofins Ntd Llc (ga)
Classification: Uncertain significance. Last evaluated: 2015-08-25. Review status: criteria provided, single submitter. Criteria: EGL Classification Definitions 2015. Collection method: clinical testing. Allele origin: germline. Observed: 1 variant allele, 1 heterozygote.

Literature cited by the submitters: PubMed 29688998 (cited by Genomenon, Inc and Ambry Genetics); PubMed 27657681 (cited by Genomenon, Inc and Ambry Genetics); PubMed 20367968 (cited by Labcorp Genetics (formerly Invitae), Labcorp); PubMed 23935525 (cited by Labcorp Genetics (formerly Invitae), Labcorp); PubMed 25382311 (cited by Labcorp Genetics (formerly Invitae), Labcorp); PubMed 25974833 (cited by Labcorp Genetics (formerly Invitae), Labcorp).